The following is an entry in ClinVar:

NM_001273.5(CHD4):c.1238A>G (p.His413Arg)

Gene: CHD4 (chromodomain helicase DNA binding protein 4; minus strand). Cytogenetic location: 12p13.31.
Variant type: single nucleotide variant.
Coding change: c.1238A>G on transcript NM_001273.5 (MANE Select); coding-DNA position 1238, A replaced by G.
Protein change: p.His413Arg; replaces histidine 413 with arginine.
Molecular consequence: missense variant.
Genome position (GRCh38, 1-based): chr12:6,600,221, T>C on the plus strand (A>G on the coding strand, the complement: CHD4 is on the minus strand). VCF-style: chr12-6600221-T-C. GRCh37 (hg19) VCF-style: chr12-6709387-T-C.
Other names: c.1217A>G, p.His406Arg (NM_001297553.2); c.1199A>G, p.His400Arg (NM_001363606.2); short protein forms H400R, H406R, H413R.
Identifiers: ClinVar variation 2506789 (VCV002506789.1), dbSNP rs1329450548, ClinGen allele CA383601048.

ClinVar aggregate classification (germline): Uncertain significance (1 of 4 stars; one submission).

Allele frequency attached by ClinVar (database versions not stated): gnomAD exomes below 0.00001.
gnomAD v4.1: 6 of 1,614,062 alleles (0.00037%); highest among the groups gnomAD compares: South Asian, 0.0022%; no homozygotes.

Submission:

GeneDx
Classification: Uncertain significance. Last evaluated: 2022-12-19. Review status: criteria provided, single submitter. Criteria: GeneDx Variant Classification Process June 2021. Collection method: clinical testing. Allele origin: germline. Affected: yes.
Comment: Has not been previously published as pathogenic or benign to our knowledge; In silico analysis supports that this missense variant has a deleterious effect on protein structure/function